The following is an entry in ClinVar:

NM_006265.3(RAD21):c.1143G>C (p.Trp381Cys)

Gene: RAD21 (RAD21 cohesin complex component; minus strand). Cytogenetic location: 8q24.11.
Variant type: single nucleotide variant.
Coding change: c.1143G>C on transcript NM_006265.3 (MANE Select); coding-DNA position 1143, G replaced by C.
Protein change: p.Trp381Cys; replaces tryptophan 381 with cysteine.
Molecular consequence: missense variant.
Genome position (GRCh38, 1-based): chr8:116,854,263, C>G on the plus strand (G>C on the coding strand, the complement: RAD21 is on the minus strand). VCF-style: chr8-116854263-C-G. GRCh37 (hg19) VCF-style: chr8-117866502-C-G.
Other names: short protein forms W381C.
Identifiers: ClinVar variation 1341800 (VCV001341800.3), dbSNP rs2130462808, ClinGen allele CA372000576.

ClinVar aggregate classification (germline): Uncertain significance. Review status: criteria provided, multiple submitters, no conflicts (2 of 4 stars). 2 submissions from 2 submitters: Uncertain significance (2). Last evaluated 2021-02-11.

Conditions:
Inborn genetic diseases. Identifiers: MedGen C0950123, MeSH D030342.
Cornelia de Lange syndrome 4 (CDLS4). Also called: RAD21-Related Cornelia de Lange Syndrome; CORNELIA DE LANGE SYNDROME 4 WITH OR WITHOUT MIDLINE BRAIN DEFECTS. Identifiers: Orphanet 199, MedGen C3553517, MONDO:0013864, OMIM 614701.

gnomAD v4.1: 2 of 1,612,300 alleles (0.00012%); no homozygotes.

Submissions (2):

New York Genome Center
Classification: Uncertain significance for Cornelia de Lange syndrome 4. Last evaluated: 2021-02-11. Review status: criteria provided, single submitter. Criteria: NYGC Assertion Criteria 2020. Collection method: clinical testing. Allele origin: germline. Observed: 1 heterozygote. Study: CSER-NYCKidSeq.
Comment: The c.1143G>C (p.Trp381Cys)missense variant in exon 9 of 14 of RAD21 has not been reported in affected individuals in the available literature. The variant is absent in gnomAD v3 and gnomaAD v2 indicating it is not a common benign variant in the populations represented in these databases. In silico predictors suggest this variant is benign (REVEL; score:0.5389) and tolerated (SIFT; score:0.061). Given the lack of inheritance data and functional studies supporting its pathogenicity, the c.1143G>C (p.Trp381Cys) variant identified in the RAD21 gene is reported here as a Variant of Uncertain Significance.

Ambry Genetics
Classification: Uncertain significance for Inborn genetic diseases. Last evaluated: 2018-10-08. Review status: criteria provided, single submitter. Criteria: Ambry Variant Classification Scheme 2023. Collection method: clinical testing. Allele origin: germline.
Comment: The p.W381C variant (also known as c.1143G>C), located in coding exon 8 of the RAD21 gene, results from a G to C substitution at nucleotide position 1143. The tryptophan at codon 381 is replaced by cysteine, an amino acid with highly dissimilar properties. This amino acid position is highly conserved in available vertebrate species. In addition, this alteration is predicted to be deleterious by in silico analysis. Since supporting evidence is limited at this time, the clinical significance of this alteration remains unclear.